The following is an entry in ClinVar:

ClinVar aggregate classification (germline): Uncertain significance (1 of 4 stars; one submission).

Submission:

Labcorp Genetics (formerly Invitae), Labcorp
Classification: Uncertain significance. Last evaluated: 2020-10-19. Review status: criteria provided, single submitter. Criteria: Invitae Variant Classification Sherloc (09022015). Collection method: clinical testing. Allele origin: germline.
Comment: Algorithms developed to predict the effect of missense changes on protein structure and function output the following: SIFT: "Not Available"; PolyPhen-2: "Benign"; Align-GVGD: "Not Available". The serine amino acid residue is found in multiple mammalian species, suggesting that this missense change does not adversely affect protein function. These predictions have not been confirmed by published functional studies and their clinical significance is uncertain. This variant has not been reported in the literature in individuals with TULP1-related conditions. This variant is not present in population databases (ExAC no frequency). This sequence change replaces asparagine with serine at codon 377 of the TULP1 protein (p.Asn377Ser). The asparagine residue is weakly conserved and there is a small physicochemical difference between asparagine and serine. In summary, the available evidence is currently insufficient to determine the role of this variant in disease. Therefore, it has been classified as a Variant of Uncertain Significance.

NM_003322.6(TULP1):c.1130A>G (p.Asn377Ser)

Gene: TULP1 (TUB like protein 1; minus strand). Cytogenetic location: 6p21.31.
Variant type: single nucleotide variant.
Coding change: c.1130A>G on transcript NM_003322.6 (MANE Select); coding-DNA position 1130, A replaced by G.
Protein change: p.Asn377Ser; replaces asparagine 377 with serine.
Molecular consequence: missense variant.
Genome position (GRCh38, 1-based): chr6:35,503,831, T>C on the plus strand (A>G on the coding strand, the complement: TULP1 is on the minus strand). VCF-style: chr6-35503831-T-C. GRCh37 (hg19) VCF-style: chr6-35471608-T-C.
Other names: c.971A>G, p.Asn324Ser (NM_001289395.2); short protein forms N324S, N377S.
Identifiers: ClinVar variation 1037427 (VCV001037427.7), dbSNP rs1761025676, ClinGen allele CA363779439.
Genomic context (GRCh38, chr6:35,503,831, plus strand): 5'-GCCACATTAGTGCTGTACCCACGCTGTGGGTTCTGCCCGTTGTCAAAGACCGTGAAGCGG[T>C]TCCCCAGGAGGTTGGACCTGCAAGCAGGGTAGAGCTTGGGGTGGGGCTGAGGGGATCCTA-3'
Protein context (NP_003313.3, residues 367-387): IGKLRSNLLG[Asn377Ser]RFTVFDNGQN